The following is an entry in ClinVar:

ClinVar aggregate classification (germline): Pathogenic. Review status: criteria provided, single submitter (1 of 4 stars). 3 submissions from 2 submitters: Pathogenic (1). 2 of the submissions do not count toward it.

Conditions:
Gonadal dysgenesis, dysmorphic facies, retinal dystrophy, and myopathy. Also called: 46,XY agonadism with mental retardation, short stature, retarded bone age, and multiple extragenital malformations; Kennerknecht syndrome; MYOECTODERMAL GONADAL DYSGENESIS SYNDROME; BROSNAN-KENNERKNECHT-GURAN-KOC SYNDROME. Identifiers: MedGen C5193085, MONDO:0032738, OMIM 618419.
Spermatogenic failure 36. Identifiers: MedGen C5193086, MONDO:0032739, OMIM 618420.

Allele frequency attached by ClinVar (database versions not stated): TOPMed below 0.00001.

Submissions (3):

School of Medicine, Marmara University
Classification: Pathogenic for Gonadal dysgenesis, dysmorphic facies, retinal dystrophy, and myopathy. Review status: criteria provided, single submitter. Criteria: Submitter's publication. Collection method: clinical testing. Allele origin: germline. Inheritance: Autosomal recessive inheritance. Affected: yes.
Comment: Syndromic 46, XY Gonadal Dysgenesis and Impaired Spermatogenesis in humans

OMIM
Classification: Pathogenic for MYOECTODERMAL GONADAL DYSGENESIS SYNDROME. Last evaluated: 2022-08-31. Review status: no assertion criteria provided. Collection method: literature only. Allele origin: germline. Not counted in ClinVar's aggregate classification.

OMIM
Classification: Pathogenic for SPERMATOGENIC FAILURE 36. Last evaluated: 2022-08-31. Review status: no assertion criteria provided. Collection method: literature only. Allele origin: germline. Not counted in ClinVar's aggregate classification.

Literature cited by the submitters: PubMed 30893644 (cited by School of Medicine, Marmara University and OMIM); PubMed 34750818 (cited by OMIM).

NM_017917.4(PPP2R3C):c.308T>C (p.Leu103Pro)

Genes: PPP2R3C (protein phosphatase 2 regulatory subunit B''gamma; minus strand), LOC101927178 (uncharacterized LOC101927178; plus strand). Cytogenetic location: 14q13.2.
Variant type: single nucleotide variant.
Coding change: c.308T>C on transcript NM_017917.4 (MANE Select); coding-DNA position 308, T replaced by C.
Protein change: p.Leu103Pro; replaces leucine 103 with proline.
Molecular consequence: missense variant. On other transcripts: 5 prime UTR variant (2), non-coding transcript variant (1).
Genome position (GRCh38, 1-based): chr14:35,109,915, A>G on the plus strand (T>C on the coding strand, the complement: PPP2R3C is on the minus strand). VCF-style: chr14-35109915-A-G. GRCh37 (hg19) VCF-style: chr14-35579121-A-G.
Other names: c.-23T>C (NM_001305155.2, NM_001305156.2); short protein forms L103P.
Identifiers: ClinVar variation 627425 (VCV000627425.5), dbSNP rs754106837, ClinGen allele CA389437193.